The following is an entry in ClinVar:

ClinVar aggregate classification (germline): Pathogenic (1 of 4 stars; one submission).

Conditions:
Severe combined immunodeficiency, autosomal recessive, T cell-negative, B cell-negative, NK cell-positive. Also called: SCID, T CELL-NEGATIVE, B CELL-NEGATIVE, NK CELL-POSITIVE; SCID, AR, T-cell negative, B-cell negative, NK cell-positive; Severe combined immunodeficiency due to complete RAG1/2 deficiency. Identifiers: Orphanet 331206, MedGen C1832322, MONDO:0011086, OMIM 601457.
Combined immunodeficiency with skin granulomas. Identifiers: Orphanet 157949, MedGen C2673536, MONDO:0009306, OMIM 233650.

gnomAD v4.1: 1 of 1,614,082 alleles (0.000062%); highest among the groups gnomAD compares: Non-Finnish European, 0.000085%; no homozygotes.

Submission:

Labcorp Genetics (formerly Invitae), Labcorp
Classification: Pathogenic for Combined immunodeficiency with skin granulomas; Severe combined immunodeficiency, autosomal recessive, T cell-negative, B cell-negative, NK cell-positive. Last evaluated: 2025-12-26. Review status: criteria provided, single submitter. Criteria: Invitae Variant Classification Sherloc (09022015). Collection method: clinical testing. Allele origin: germline.
Comment: This sequence change creates a premature translational stop signal (p.Gln78*) in the RAG1 gene. While this is not anticipated to result in nonsense mediated decay, it is expected to disrupt the last 966 amino acid(s) of the RAG1 protein. This variant is not present in population databases (gnomAD no frequency). This variant has not been reported in the literature in individuals affected with RAG1-related conditions. This variant disrupts a region of the RAG1 protein in which other variant(s) (p.Trp959*) have been determined to be pathogenic (PMID: 11133745, 24290284, 24406074). This suggests that this is a clinically significant region of the protein, and that variants that disrupt it are likely to be disease-causing. For these reasons, this variant has been classified as Pathogenic.

Literature cited by the submitters: PubMed 11133745; PubMed 24290284; PubMed 24406074.

NM_000448.3(RAG1):c.232C>T (p.Gln78Ter)

Gene: RAG1 (recombination activating 1; plus strand). Cytogenetic location: 11p12.
Variant type: single nucleotide variant.
Coding change: c.232C>T on transcript NM_000448.3 (MANE Select); coding-DNA position 232, C replaced by T.
Protein change: p.Gln78Ter; replaces glutamine 78 with a stop codon.
Molecular consequence: nonsense.
Genome position (GRCh38, 1-based): chr11:36,573,536, C>T. VCF-style: chr11-36573536-C-T. GRCh37 (hg19) VCF-style: chr11-36595086-C-T.
Other names: c.232C>T, p.Gln78Ter (NM_001377277.1, NM_001377278.1, NM_001377279.1 and 3 more transcripts); short protein forms Q78*.
Identifiers: ClinVar variation 4787138 (VCV004787138.1).
Genomic context (GRCh38, chr11:36,573,536, plus strand): 5'-TCTCTGGAGCAATCTCCAGCAGTCCTGGACAAGGCTGATGGTCAGAAGCCAGTCCCAACT[C>T]AGCCATTGTTAAAAGCCCACCCTAAGTTTTCAAAGAAATTTCACGACAACGAGAAAGCAA-3'